The following is an entry in ClinVar:

NM_007294.4(BRCA1):c.80+4_80+9del

Gene: BRCA1 (BRCA1 DNA repair associated; minus strand). Cytogenetic location: 17q21.31.
Variant type: Deletion.
Coding change: c.80+4_80+9del on transcript NM_007294.4 (MANE Select); bases 4 to 9 of the intron after coding-DNA position 80, 6 bases deleted (AGTCAG; older notation c.80+4_80+9delAGTCAG).
Molecular consequence: intron variant.
Genome position (GRCh38, 1-based): chr17:43,124,008-43,124,013, CTGACT deleted on the plus strand (AGTCAG on the coding strand, the reverse complement: BRCA1 is on the minus strand). VCF-style (leftmost placement, unchanged base first): chr17-43124007-GCTGACT-G. GRCh37 (hg19) VCF-style: chr17-41276024-GCTGACT-G.
Other names: c.-109+4_-109+9del (NM_001407882.1, NM_001407952.1, NM_001407571.1 and 46 more transcripts); c.80+4_80+9del (NM_001408447.1, NM_001408433.1, NM_001407690.1 and 192 more transcripts); c.-178+4_-178+9del (NM_001407727.1, NM_001407724.1, NM_001408468.1 and 11 more transcripts); c.-109+1169_-109+1174del (NM_001407896.1); c.-225+1169_-225+1174del (NM_001407900.1); c.-58+4_-58+9del (NM_001407841.1); c.-228+4_-228+9del (NM_001407917.1, NM_001407954.1, NM_001408513.1); c.-181+4_-181+9del (NM_001408462.1, NM_001407838.1, NM_001408410.1 and 22 more transcripts); and 23 more.
Identifiers: ClinVar variation 5021116 (VCV005021116.2).

ClinVar aggregate classification (germline): Uncertain significance. Review status: criteria provided, single submitter (1 of 4 stars). 2 submissions from 1 submitter: Uncertain significance (2). Last evaluated 2026-09-22.

Conditions:
Inherited breast cancer and ovarian cancer.
Inherited ovarian cancer (without breast cancer).

Submissions (2):

Genetics Laboratory, Great Ormond Street Hospital NHS Foundation Trust, North Thames Genomic Laboratory Hub
Classification: Uncertain significance for Inherited breast cancer and ovarian cancer. Last evaluated: 2026-09-22. Review status: criteria provided, single submitter. Criteria: CanVIG BRCA Gene Specific V1.22. Collection method: clinical testing. Allele origin: germline. Affected: yes.
Comment: PM2_moderate, PP3_supporting, PS1_moderate

Genetics Laboratory, Great Ormond Street Hospital NHS Foundation Trust, North Thames Genomic Laboratory Hub
Classification: Uncertain significance for Inherited ovarian cancer (without breast cancer). Last evaluated: 2026-08-20. Review status: criteria provided, single submitter. Criteria: CanVIG BRCA Gene Specific V1.22. Collection method: clinical testing. Allele origin: germline. Affected: yes.
Comment: the same text as in the submission from Genetics Laboratory, Great Ormond Street Hospital NHS Foundation Trust, North Thames Genomic Laboratory Hub above.